The following is an entry in ClinVar:

ClinVar aggregate classification (germline): Conflicting classifications of pathogenicity. Review status: criteria provided, conflicting classifications (1 of 4 stars). 6 submissions from 6 submitters: Uncertain significance (1); Benign (1); Likely benign (3). 1 of the submissions does not count toward it. Last evaluated 2026-02-01.

Conditions:
DNAH9-related disorder. Also called: DNAH9-related condition.
Ciliary dyskinesia, primary, 40. Also called: CILIARY DYSKINESIA, PRIMARY, 40, WITH OR WITHOUT SITUS INVERSUS. Identifiers: MedGen C4749028, MONDO:0032664, OMIM 618300.
Inborn genetic diseases. Identifiers: MedGen C0950123, MeSH D030342.

Allele frequency attached by ClinVar (database versions not stated): gnomAD exomes 0.00029 and 0.00061; ExAC 0.00065; 1000 Genomes Project 0.00160; 1000 Genomes Project 30x 0.00219; ESP Exome Variant Server 0.00261; gnomAD 0.00267 and 0.00292; TOPMed 0.00303.
gnomAD v4.1: 879 of 1,614,016 alleles (0.054%); highest among the groups gnomAD compares: African/African-American, 0.99%; 7 homozygotes.

Submissions (6):

Labcorp Genetics (formerly Invitae), Labcorp
Classification: Benign. Last evaluated: 2026-02-01. Review status: criteria provided, single submitter. Criteria: Invitae Variant Classification Sherloc (09022015). Collection method: clinical testing. Allele origin: germline.

Blueprint Genetics
Classification: Likely benign. Last evaluated: 2024-11-13. Review status: criteria provided, single submitter. Criteria: ACMG Guidelines, 2015. Collection method: clinical testing. Allele origin: germline.

CeGaT Center for Human Genetics Tuebingen
Classification: Likely benign. Last evaluated: 2022-12-01. Review status: criteria provided, single submitter. Criteria: CeGaT Center For Human Genetics Tuebingen Variant Classification Criteria Version 2. Collection method: clinical testing. Allele origin: germline. Affected: yes. Observed: 1 variant allele.
Comment: DNAH9: BP4, BS2

Fulgent Genetics
Classification: Likely benign for Ciliary dyskinesia, primary, 40. Last evaluated: 2022-05-19. Review status: criteria provided, single submitter. Criteria: ACMG Guidelines, 2015. Collection method: clinical testing. Allele origin: unknown.

Ambry Genetics
Classification: Uncertain significance for Inborn genetic diseases. Last evaluated: 2021-06-11. Review status: criteria provided, single submitter. Criteria: Ambry Variant Classification Scheme 2023. Collection method: clinical testing. Allele origin: germline.

PreventionGenetics, part of Exact Sciences
Classification: Benign for DNAH9-related condition. Last evaluated: 2019-11-25. Review status: no assertion criteria provided. Collection method: clinical testing. Allele origin: germline. Not counted in ClinVar's aggregate classification.
Comment: This variant is classified as benign based on ACMG/AMP sequence variant interpretation guidelines (Richards et al. 2015 PMID: 25741868, with internal and published modifications).

NM_001372.4(DNAH9):c.11921A>T (p.Lys3974Met)

Gene: DNAH9 (dynein axonemal heavy chain 9; plus strand). Cytogenetic location: 17p12.
Variant type: single nucleotide variant.
Coding change: c.11921A>T on transcript NM_001372.4 (MANE Select); coding-DNA position 11921, A replaced by T.
Protein change: p.Lys3974Met; replaces lysine 3974 with methionine.
Molecular consequence: missense variant.
Genome position (GRCh38, 1-based): chr17:11,929,909, A>T. VCF-style: chr17-11929909-A-T. GRCh37 (hg19) VCF-style: chr17-11833226-A-T.
Other names: c.857A>T, p.Lys286Met (NM_004662.2); c.11921A>T (NM_001372.3); short protein forms K286M, K3974M.
Identifiers: ClinVar variation 1536223 (VCV001536223.35), dbSNP rs111574749, ClinGen allele CA8398013.